The following is an entry in ClinVar:

NM_006516.4(SLC2A1):c.1192G>A (p.Gly398Ser)

Gene: SLC2A1 (solute carrier family 2 member 1; minus strand). Cytogenetic location: 1p34.2.
Variant type: single nucleotide variant.
Coding change: c.1192G>A on transcript NM_006516.4 (MANE Select); coding-DNA position 1192, G replaced by A.
Protein change: p.Gly398Ser; replaces glycine 398 with serine.
Molecular consequence: missense variant.
Genome position (GRCh38, 1-based): chr1:42,927,691, C>T on the plus strand (G>A on the coding strand, the complement: SLC2A1 is on the minus strand). VCF-style: chr1-42927691-C-T. GRCh37 (hg19) VCF-style: chr1-43393362-C-T.
Other names: p.Gly398Ser; c.1192G>A (NM_006516.3); short protein forms G398S.
Identifiers: ClinVar variation 1304066 (VCV001304066.10), dbSNP rs1027810691, ClinGen allele CA21249165.

ClinVar aggregate classification (germline): Uncertain significance. Review status: criteria provided, multiple submitters, no conflicts (2 of 4 stars). 10 submissions from 6 submitters: Uncertain significance (9). 1 of the submissions does not count toward it. Last evaluated 2024-10-08.

Conditions:
Hereditary cryohydrocytosis with reduced stomatin. Also called: GLUT1 DEFICIENCY SYNDROME WITH PSEUDOHYPERKALEMIA AND HEMOLYSIS; Stomatin-deficient cryohydrocytosis with neurologic defects. Identifiers: Orphanet 168577, MedGen C1837206, MONDO:0012143, OMIM 608885.
GLUT1 deficiency syndrome 1, autosomal recessive. Identifiers: MedGen C3149117.
Childhood onset GLUT1 deficiency syndrome 2. Also called: GLUT1 deficiency syndrome 2; Paroxysmal exercise-induced dystonia; PxMD-SLC2A1; PAROXYSMAL EXERCISE-INDUCED DYSKINESIA WITH OR WITHOUT EPILEPSY AND/OR HEMOLYTIC ANEMIA; PAROXYSMAL EXERTION-INDUCED DYSTONIA WITH OR WITHOUT EPILEPSY AND/OR HEMOLYTIC ANEMIA; PED WITH OR WITHOUT EPILEPSY AND/OR HEMOLYTIC ANEMIA. Identifiers: Orphanet 98811, MedGen C1842534, MONDO:0012805, OMIM 612126.
Encephalopathy due to GLUT1 deficiency. Also called: De Vivo disease; GLUT1 deficiency syndrome 1, infantile onset, severe; GLUCOSE TRANSPORT DEFECT, BLOOD-BRAIN BARRIER; Classic Glucose Transporter Type 1 Deficiency Syndrome; Glucose transporter protein syndrome; GLUT1 deficiency syndrome 1. Identifiers: Orphanet 71277, MedGen C4551966, MONDO:0011724, OMIM 606777.
Epilepsy, idiopathic generalized, susceptibility to, 12 (EIG12). Identifiers: MedGen C3553859, MONDO:0013919, OMIM 614847.
Dystonia 9 (DYT9). Also called: CHOREOATHETOSIS, KINESIGENIC, WITH EPISODIC ATAXIA AND SPASTICITY. Identifiers: Orphanet 53583, MedGen C1832855, MONDO:0010983, OMIM 601042.

Allele frequency attached by ClinVar (database versions not stated): gnomAD exomes below 0.00001 and 0.00001; gnomAD 0.00001; TOPMed 0.00001.
gnomAD v4.1: 14 of 1,614,046 alleles (0.00087%); highest among the groups gnomAD compares: Middle Eastern, 0.016%; no homozygotes.

Submissions (10):

Labcorp Genetics (formerly Invitae), Labcorp
Classification: Uncertain significance for GLUT1 deficiency syndrome 1, autosomal recessive. Last evaluated: 2024-10-08. Review status: criteria provided, single submitter. Criteria: Invitae Variant Classification Sherloc (09022015). Collection method: clinical testing. Allele origin: germline.
Comment: This sequence change replaces glycine, which is neutral and non-polar, with serine, which is neutral and polar, at codon 398 of the SLC2A1 protein (p.Gly398Ser). This variant is present in population databases (no rsID available, gnomAD 0.0009%). This variant has not been reported in the literature in individuals affected with SLC2A1-related conditions. ClinVar contains an entry for this variant (Variation ID: 1304066). Invitae Evidence Modeling of protein sequence and biophysical properties (such as structural, functional, and spatial information, amino acid conservation, physicochemical variation, residue mobility, and thermodynamic stability) has been performed for this missense variant. However, the output from this modeling did not meet the statistical confidence thresholds required to predict the impact of this variant on SLC2A1 protein function. In summary, the available evidence is currently insufficient to determine the role of this variant in disease. Therefore, it has been classified as a Variant of Uncertain Significance.

Genomic Medicine Center of Excellence, King Faisal Specialist Hospital and Research Centre
Classification: Uncertain significance for Epilepsy, idiopathic generalized, susceptibility to, 12. Last evaluated: 2024-09-22. Review status: criteria provided, single submitter. Criteria: ACMG Guidelines, 2015. Collection method: clinical testing. Allele origin: germline.

Mayo Clinic Laboratories, Mayo Clinic
Classification: Uncertain significance. Last evaluated: 2024-03-21. Review status: criteria provided, single submitter. Criteria: ACMG Guidelines, 2015. Collection method: clinical testing. Allele origin: germline. Observed: 1 variant allele.
Comment: PM2_moderate

Genome-Nilou Lab
Classification: Uncertain significance for Epilepsy, idiopathic generalized, susceptibility to, 12. Last evaluated: 2023-04-11. Review status: criteria provided, single submitter. Criteria: ACMG Guidelines, 2015. Collection method: clinical testing. Allele origin: germline. Affected: no.

Genome-Nilou Lab
Classification: Uncertain significance for Dystonia 9. Last evaluated: 2023-04-11. Review status: criteria provided, single submitter. Criteria: ACMG Guidelines, 2015. Collection method: clinical testing. Allele origin: germline. Affected: no.

Genome-Nilou Lab
Classification: Uncertain significance for Encephalopathy due to GLUT1 deficiency. Last evaluated: 2023-04-11. Review status: criteria provided, single submitter. Criteria: ACMG Guidelines, 2015. Collection method: clinical testing. Allele origin: germline. Affected: no.

Genome-Nilou Lab
Classification: Uncertain significance for Childhood onset GLUT1 deficiency syndrome 2. Last evaluated: 2023-04-11. Review status: criteria provided, single submitter. Criteria: ACMG Guidelines, 2015. Collection method: clinical testing. Allele origin: germline. Affected: no.

Genome-Nilou Lab
Classification: Uncertain significance for Hereditary cryohydrocytosis with reduced stomatin. Last evaluated: 2023-04-11. Review status: criteria provided, single submitter. Criteria: ACMG Guidelines, 2015. Collection method: clinical testing. Allele origin: germline. Affected: no.

GeneDx
Classification: Uncertain significance. Last evaluated: 2019-02-15. Review status: criteria provided, single submitter. Criteria: GeneDx Variant Classification Process June 2021. Collection method: clinical testing. Allele origin: germline. Affected: yes.
Comment: Not observed at a significant frequency in large population cohorts (Lek et al., 2016); In silico analysis, which includes protein predictors and evolutionary conservation, supports a deleterious effect; Has not been previously published as pathogenic or benign to our knowledge

Zotz-Klimas Genetics Lab, MVZ Zotz Klimas
Classification: Uncertain significance for Epilepsy, idiopathic generalized, susceptibility to, 12. Last evaluated: 2023-11-02. Review status: no assertion criteria provided. Collection method: clinical testing. Allele origin: germline. Affected: yes. Not counted in ClinVar's aggregate classification.

Literature cited by the submitters: PubMed 30714351 (cited by Mayo Clinic Laboratories, Mayo Clinic); PubMed 32404902 (cited by Mayo Clinic Laboratories, Mayo Clinic).